The following is an entry in ClinVar:

NM_000548.5(TSC2):c.848+276C>G

Gene: TSC2 (TSC complex subunit 2; plus strand). Cytogenetic location: 16p13.3.
Variant type: single nucleotide variant.
Coding change: c.848+276C>G on transcript NM_000548.5 (MANE Select); 276 bases into the intron after coding-DNA position 848, C replaced by G.
Molecular consequence: intron variant.
Genome position (GRCh38, 1-based): chr16:2,057,454, C>G. VCF-style: chr16-2057454-C-G. GRCh37 (hg19) VCF-style: chr16-2107455-C-G.
Other names: c.848+276C>G (NM_001114382.3, NM_021055.3, NM_001370405.1 and 3 more transcripts); c.737+276C>G (NM_001318827.2); c.248+276C>G (NM_001318831.2); c.701+276C>G (NM_001318829.2); c.881+276C>G (NM_001318832.2).
Identifiers: ClinVar variation 669642 (VCV000669642.10), dbSNP rs60154230, ClinGen allele CA276775120.

ClinVar aggregate classification (germline): Benign/Likely benign. Review status: criteria provided, multiple submitters, no conflicts (2 of 4 stars). 3 submissions from 3 submitters: Benign (1); Likely benign (2). Last evaluated 2024-11-25.

Allele frequency attached by ClinVar (database versions not stated): 1000 Genomes Project 0.01158; gnomAD 0.01237; 1000 Genomes Project 30x 0.01280; TOPMed 0.01291.
gnomAD v4.1: 1,746 of 152,248 alleles (1.1%); highest among the groups gnomAD compares: African/African-American, 4%; 32 homozygotes.

Submissions (3):

Blueprint Genetics
Classification: Likely benign. Last evaluated: 2024-11-25. Review status: criteria provided, single submitter. Criteria: ACMG Guidelines, 2015. Collection method: clinical testing. Allele origin: germline.

ARUP Laboratories, Molecular Genetics and Genomics, ARUP Laboratories
Classification: Benign. Last evaluated: 2019-10-11. Review status: criteria provided, single submitter. Criteria: ARUP Molecular Germline Variant Investigation Process. Collection method: clinical testing. Allele origin: germline.

GeneDx
Classification: Likely benign. Last evaluated: 2018-06-14. Review status: criteria provided, single submitter. Criteria: GeneDx Variant Classification (06012015). Collection method: clinical testing. Allele origin: germline. Affected: yes.
Comment: This variant is considered likely benign or benign based on one or more of the following criteria: it is a conservative change, it occurs at a poorly conserved position in the protein, it is predicted to be benign by multiple in silico algorithms, and/or has population frequency not consistent with disease.